The following is an entry in ClinVar:

NM_020806.5(GPHN):c.64+6C>G

Gene: GPHN (gephyrin; plus strand). Cytogenetic location: 14q23.3.
Variant type: single nucleotide variant.
Coding change: c.64+6C>G on transcript NM_020806.5 (MANE Select); 6 bases into the intron after coding-DNA position 64, C replaced by G.
Molecular consequence: intron variant.
Genome position (GRCh38, 1-based): chr14:66,508,597, C>G. VCF-style: chr14-66508597-C-G. GRCh37 (hg19) VCF-style: chr14-66975315-C-G.
Other names: c.64+6C>G (NM_001377514.1, NM_001377519.1, NM_001377515.1 and 4 more transcripts).
Identifiers: ClinVar variation 855062 (VCV000855062.10), dbSNP rs750672147, ClinGen allele CA7233599.

ClinVar aggregate classification (germline): Conflicting classifications of pathogenicity. Review status: criteria provided, conflicting classifications (1 of 4 stars). 2 submissions from 2 submitters: Uncertain significance (1); Likely benign (1). Last evaluated 2025-10-02.

Conditions:
Sulfite oxidase deficiency due to molybdenum cofactor deficiency type C. Also called: Molybdenum cofactor deficiency, complementation group C; Molybdenum cofactor deficiency C. Identifiers: Orphanet 308400, Orphanet 833, MedGen C1854990, MONDO:0014212, OMIM 615501.

Allele frequency attached by ClinVar (database versions not stated): ExAC 0.00004; TOPMed 0.00008.
gnomAD v4.1: 18 of 1,611,452 alleles (0.0011%); highest among the groups gnomAD compares: African/African-American, 0.0013%; no homozygotes.

Submissions (2):

Labcorp Genetics (formerly Invitae), Labcorp
Classification: Uncertain significance for Sulfite oxidase deficiency due to molybdenum cofactor deficiency type C. Last evaluated: 2025-10-02. Review status: criteria provided, single submitter. Criteria: Invitae Variant Classification Sherloc (09022015). Collection method: clinical testing. Allele origin: germline.
Comment: This sequence change falls in intron 1 of the GPHN gene. It does not directly change the encoded amino acid sequence of the GPHN protein. It affects a nucleotide within the consensus splice site. This variant is present in population databases (rs750672147, gnomAD 0.007%). This variant has not been reported in the literature in individuals affected with GPHN-related conditions. ClinVar contains an entry for this variant (Variation ID: 855062). Variants that disrupt the consensus splice site are a relatively common cause of aberrant splicing (PMID: 17576681, 9536098). Algorithms developed to predict the effect of sequence changes on RNA splicing suggest that this variant is not likely to affect RNA splicing. In summary, the available evidence is currently insufficient to determine the role of this variant in disease. Therefore, it has been classified as a Variant of Uncertain Significance.

Blueprint Genetics
Classification: Likely benign. Last evaluated: 2024-04-29. Review status: criteria provided, single submitter. Criteria: ACMG Guidelines, 2015. Collection method: clinical testing. Allele origin: germline.

Literature cited by the submitters: PubMed 17576681 (cited by Labcorp Genetics (formerly Invitae), Labcorp); PubMed 9536098 (cited by Labcorp Genetics (formerly Invitae), Labcorp).